The following is an entry in ClinVar:

NM_020686.6(ABAT):c.1353T>A (p.Asn451Lys)

Gene: ABAT (4-aminobutyrate aminotransferase; plus strand). Cytogenetic location: 16p13.2.
Variant type: single nucleotide variant.
Coding change: c.1353T>A on transcript NM_020686.6 (MANE Select); coding-DNA position 1353, T replaced by A.
Protein change: p.Asn451Lys; replaces asparagine 451 with lysine.
Molecular consequence: missense variant. On other transcripts: intron variant (1).
Genome position (GRCh38, 1-based): chr16:8,779,562, T>A. VCF-style: chr16-8779562-T-A. GRCh37 (hg19) VCF-style: chr16-8873419-T-A.
Other names: c.1353T>A, p.Asn451Lys (NM_000663.5, NM_001127448.2, NM_001386600.1 and 5 more transcripts); c.1314T>A, p.Asn438Lys (NM_001386605.1); c.1290T>A, p.Asn430Lys (NM_001386606.1, NM_001386607.1); c.1260T>A, p.Asn420Lys (NM_001386608.1); c.1218T>A, p.Asn406Lys (NM_001386610.1, NM_001386611.1); c.1155T>A, p.Asn385Lys (NM_001386612.1, NM_001386613.1); c.1107T>A, p.Asn369Lys (NM_001386614.1); c.1449T>A, p.Asn483Lys (NM_001386615.1); and 1 more; short protein forms N406K, N483K, N369K, N451K, N385K, N430K, N438K, N420K.
Identifiers: ClinVar variation 1525336 (VCV001525336.5), dbSNP rs778319783, ClinGen allele CA7893529.

ClinVar aggregate classification (germline): Uncertain significance (1 of 4 stars; one submission).

Conditions:
Gamma-aminobutyric acid transaminase deficiency (GABATD). Also called: GABA aminotransaminase deficiency; GABA transaminase deficiency; Gamma aminobutyrate transaminase deficiency; 4 alpha aminobutyrate transaminase deficiency. Identifiers: Orphanet 2066, MedGen C0342708, MONDO:0013166, OMIM 613163.

Allele frequency attached by ClinVar (database versions not stated): gnomAD 0.00001; gnomAD exomes 0.00001; ExAC 0.00002; TOPMed 0.00002.
gnomAD v4.1: 11 of 1,614,046 alleles (0.00068%); highest among the groups gnomAD compares: Admixed American, 0.0017%; no homozygotes.

Submission:

Labcorp Genetics (formerly Invitae), Labcorp
Classification: Uncertain significance for Gamma-aminobutyric acid transaminase deficiency. Last evaluated: 2021-09-01. Review status: criteria provided, single submitter. Criteria: Invitae Variant Classification Sherloc (09022015). Collection method: clinical testing. Allele origin: germline.
Comment: This sequence change replaces asparagine with lysine at codon 451 of the ABAT protein (p.Asn451Lys). The asparagine residue is moderately conserved and there is a moderate physicochemical difference between asparagine and lysine. This variant is present in population databases (rs778319783, ExAC 0.003%). This variant has not been reported in the literature in individuals affected with ABAT-related conditions. Algorithms developed to predict the effect of missense changes on protein structure and function are either unavailable or do not agree on the potential impact of this missense change (SIFT: "Deleterious"; PolyPhen-2: "Benign"; Align-GVGD: "Class C0"). In summary, the available evidence is currently insufficient to determine the role of this variant in disease. Therefore, it has been classified as a Variant of Uncertain Significance.